The following is an entry in ClinVar:

ClinVar aggregate classification (germline): Uncertain significance (1 of 4 stars; one submission).

Conditions:
CHARGE syndrome (CHARGE). Also called: Hittner Hirsch Kreh syndrome; CHARGE ASSOCIATION--COLOBOMA, HEART ANOMALY, CHOANAL ATRESIA, RETARDATION, GENITAL AND EAR ANOMALIES; Coloboma, heart anomaly, choanal atresia, retardation, genital and ear anomalies; CHARGE association; Hall-Hittner syndrome. Identifiers: Orphanet 138, MedGen C0265354, MONDO:0008965.

Allele frequency attached by ClinVar (database versions not stated): TOPMed below 0.00001; gnomAD 0.00001; gnomAD exomes 0.00001.
gnomAD v4.1: 19 of 1,603,948 alleles (0.0012%); highest among the groups gnomAD compares: Admixed American, 0.0034%; no homozygotes.

Submission:

Labcorp Genetics (formerly Invitae), Labcorp
Classification: Uncertain significance for CHARGE syndrome. Last evaluated: 2024-05-15. Review status: criteria provided, single submitter. Criteria: Invitae Variant Classification Sherloc (09022015). Collection method: clinical testing. Allele origin: germline.
Comment: This sequence change falls in intron 33 of the CHD7 gene. It does not directly change the encoded amino acid sequence of the CHD7 protein. It affects a nucleotide within the consensus splice site. This variant is present in population databases (no rsID available, gnomAD 0.006%). This variant has not been reported in the literature in individuals affected with CHD7-related conditions. Variants that disrupt the consensus splice site are a relatively common cause of aberrant splicing (PMID: 17576681, 9536098). Algorithms developed to predict the effect of sequence changes on RNA splicing suggest that this variant is not likely to affect RNA splicing. In summary, the available evidence is currently insufficient to determine the role of this variant in disease. Therefore, it has been classified as a Variant of Uncertain Significance.

Literature cited by the submitters: PubMed 17576681; PubMed 9536098.

NM_017780.4(CHD7):c.7165-3T>C

Gene: CHD7 (chromodomain helicase DNA binding protein 7; plus strand). Cytogenetic location: 8q12.2.
Variant type: single nucleotide variant.
Coding change: c.7165-3T>C on transcript NM_017780.4 (MANE Select); 3 bases into the intron before coding-DNA position 7165, T replaced by C.
Molecular consequence: intron variant.
Genome position (GRCh38, 1-based): chr8:60,856,442, T>C. VCF-style: chr8-60856442-T-C. GRCh37 (hg19) VCF-style: chr8-61769001-T-C.
Other names: c.1717-5787T>C (NM_001316690.1).
Identifiers: ClinVar variation 2960010 (VCV002960010.3), dbSNP rs1162185707, ClinGen allele CA582403602.